The following is an entry in ClinVar:

ClinVar aggregate classification (germline): Uncertain significance (1 of 4 stars; one submission).

Conditions:
Bethlem myopathy 1A. Also called: Bethlem myopathy 1; MYOPATHY, BENIGN CONGENITAL, WITH CONTRACTURES; Bethlem Muscular Dystrophy. Identifiers: Orphanet 610, MedGen CN029274, MONDO:0024530, OMIM 158810.

Allele frequency attached by ClinVar (database versions not stated): gnomAD exomes below 0.00001; TOPMed below 0.00001; gnomAD 0.00001.
gnomAD v4.1: 6 of 1,612,942 alleles (0.00037%); highest among the groups gnomAD compares: African/African-American, 0.0067%; no homozygotes.

Submission:

Labcorp Genetics (formerly Invitae), Labcorp
Classification: Uncertain significance for Bethlem myopathy 1A. Last evaluated: 2022-06-16. Review status: criteria provided, single submitter. Criteria: Invitae Variant Classification Sherloc (09022015). Collection method: clinical testing. Allele origin: germline.
Comment: This variant is not present in population databases (gnomAD no frequency). In summary, the available evidence is currently insufficient to determine the role of this variant in disease. Therefore, it has been classified as a Variant of Uncertain Significance. Advanced modeling of protein sequence and biophysical properties (such as structural, functional, and spatial information, amino acid conservation, physicochemical variation, residue mobility, and thermodynamic stability) performed at Invitae indicates that this missense variant is not expected to disrupt COL6A2 protein function. This variant has not been reported in the literature in individuals affected with COL6A2-related conditions. This sequence change replaces alanine, which is neutral and non-polar, with threonine, which is neutral and polar, at codon 746 of the COL6A2 protein (p.Ala746Thr).

NM_001849.4(COL6A2):c.2236G>A (p.Ala746Thr)

Gene: COL6A2 (collagen type VI alpha 2 chain; plus strand). Cytogenetic location: 21q22.3.
Variant type: single nucleotide variant.
Coding change: c.2236G>A on transcript NM_001849.4 (MANE Select); coding-DNA position 2236, G replaced by A.
Protein change: p.Ala746Thr; replaces alanine 746 with threonine.
Molecular consequence: missense variant.
Genome position (GRCh38, 1-based): chr21:46,126,051, G>A. VCF-style: chr21-46126051-G-A. GRCh37 (hg19) VCF-style: chr21-47545965-G-A.
Other names: c.2236G>A, p.Ala746Thr (NM_058174.3, NM_058175.3); short protein forms A746T.
Identifiers: ClinVar variation 1900936 (VCV001900936.5), dbSNP rs916814565, ClinGen allele CA321972746.